The following is an entry in ClinVar:

NM_000900.5(MGP):c.239_242dup (p.Tyr82fs)

Gene: MGP (matrix Gla protein; minus strand). Cytogenetic location: 12p12.3.
Variant type: Duplication.
Coding change: c.239_242dup on transcript NM_000900.5 (MANE Select); coding-DNA positions 239 to 242, 4 bases duplicated (AACG; older notation c.239_242dupAACG).
Protein change: p.Tyr82fs; shifts the reading frame from tyrosine 82.
Molecular consequence: frameshift variant.
Genome position (GRCh38, 1-based): chr12:14,882,209-14,882,212, CGTT duplicated on the plus strand (AACG on the coding strand, the reverse complement: MGP is on the minus strand); duplicating any 4 consecutive bases within chr12:14,882,209-14,882,214 gives the same sequence; the c. name uses the placement nearest the transcript's 3' end. VCF-style (leftmost placement, unchanged base first): chr12-14882208-G-GCGTT. GRCh37 (hg19) VCF-style: chr12-15035142-G-GCGTT.
Other names: c.314_317dup, p.Tyr107fs (NM_001190839.3); short protein forms Y107fs, Y82fs.
Identifiers: ClinVar variation 1523138 (VCV001523138.6), dbSNP rs1216840567, ClinGen allele CA603516375.

ClinVar aggregate classification (germline): Uncertain significance (1 of 4 stars; one submission).

Submission:

Labcorp Genetics (formerly Invitae), Labcorp
Classification: Uncertain significance. Last evaluated: 2025-05-05. Review status: criteria provided, single submitter. Criteria: Invitae Variant Classification Sherloc (09022015). Collection method: clinical testing. Allele origin: germline.
Comment: This sequence change creates a premature translational stop signal (p.Tyr82Thrfs*13) in the MGP gene. While this is not anticipated to result in nonsense mediated decay, it is expected to disrupt the last 22 amino acid(s) of the MGP protein. This variant is present in population databases (no rsID available, gnomAD 0.002%). This variant has not been reported in the literature in individuals affected with MGP-related conditions. ClinVar contains an entry for this variant (Variation ID: 1523138). In summary, the available evidence is currently insufficient to determine the role of this variant in disease. Therefore, it has been classified as a Variant of Uncertain Significance.